The following is an entry in ClinVar:

NM_144596.4(TTC8):c.1273G>A (p.Val425Ile)

Gene: TTC8 (tetratricopeptide repeat domain 8; plus strand). Cytogenetic location: 14q31.3.
Variant type: single nucleotide variant.
Coding change: c.1273G>A on transcript NM_144596.4 (MANE Select); coding-DNA position 1273, G replaced by A.
Protein change: p.Val425Ile; replaces valine 425 with isoleucine.
Molecular consequence: missense variant. On other transcripts: non-coding transcript variant (1).
Genome position (GRCh38, 1-based): chr14:88,872,378, G>A. VCF-style: chr14-88872378-G-A. GRCh37 (hg19) VCF-style: chr14-89338722-G-A.
Other names: c.1321G>A, p.Val441Ile (NM_001288781.1); c.679G>A, p.Val227Ile (NM_001288782.1); c.556G>A, p.Val186Ile (NM_001288783.1); c.1243G>A, p.Val415Ile (NM_001366535.2, NM_198309.3); c.1153G>A, p.Val385Ile (NM_001366536.2, NM_198310.3); short protein forms V415I, V425I, V186I, V227I, V385I, V441I.
Identifiers: ClinVar variation 4984577 (VCV004984577.1).
Genomic context (GRCh38, chr14:88,872,378, plus strand): 5'-TTTCTTTTGTAGGGAATAGGAGATACAAATTTGGCCCATCAGTGCTTCAGGCTGGCTCTG[G>A]TCAACAACAACAACCACGCCGAGGCCTACAACAACCTGGCTGTGCTGGAGATGCGGAAGG-3'
Protein context (NP_653197.2, residues 415-435): LAHQCFRLAL[Val425Ile]NNNNHAEAYN

ClinVar aggregate classification (germline): Uncertain significance (1 of 4 stars; one submission).

Conditions:
TTC8-related disorder. Also called: TTC8-related condition.

gnomAD v4.1: 4 of 1,613,972 alleles (0.00025%); highest among the groups gnomAD compares: Admixed American, 0.0033%; no homozygotes.

Submission:

PreventionGenetics, part of Exact Sciences
Classification: Uncertain significance for TTC8-related condition. Last evaluated: 2025-03-05. Review status: criteria provided, single submitter. Criteria: ACMG Guidelines, 2015. Collection method: clinical testing. Allele origin: germline.
Comment: The TTC8 c.1273G>A variant is predicted to result in the amino acid substitution p.Val425Ile. To our knowledge, this variant has not been reported in the literature. This variant is reported in 0.0058% of alleles in individuals of Latino descent in gnomAD. At this time, the clinical significance of this variant is uncertain due to the absence of conclusive functional and genetic evidence.